The following is an entry in ClinVar:

ClinVar aggregate classification (germline): Uncertain significance (1 of 4 stars; one submission).

gnomAD v4.1: 5 of 1,613,308 alleles (0.00031%); highest among the groups gnomAD compares: Non-Finnish European, 0.00042%; no homozygotes.

Submission:

CeGaT Center for Human Genetics Tuebingen
Classification: Uncertain significance. Last evaluated: 2024-10-01. Review status: criteria provided, single submitter. Criteria: CeGaT Center For Human Genetics Tuebingen Variant Classification Criteria Version 2. Collection method: clinical testing. Allele origin: germline. Affected: yes. Observed: 1 variant allele.
Comment: TTN: PM2, BP4

NM_001267550.2(TTN):c.11312-5553A>T

Genes: TTN (titin; minus strand), LOC126806432 (CDK7 strongly-dependent group 2 enhancer GRCh37_chr2:179611985-179613184; plus strand). Cytogenetic location: 2q31.2.
Variant type: single nucleotide variant.
Coding change: c.11312-5553A>T on transcript NM_001267550.2 (MANE Select); 5553 bases into the intron before coding-DNA position 11312, A replaced by T.
Molecular consequence: intron variant. On other transcripts: missense variant (1).
Genome position (GRCh38, 1-based): chr2:178,747,474, T>A on the plus strand (A>T on the coding strand, the complement: TTN is on the minus strand). VCF-style: chr2-178747474-T-A. GRCh37 (hg19) VCF-style: chr2-179612201-T-A.
Other names: c.14926A>T, p.Thr4976Ser (NM_133379.5); c.10223-5553A>T (NM_003319.4); c.10799-5553A>T (NM_133437.4); c.10598-5553A>T (NM_133432.3); c.10360+5650A>T (NM_133378.4); c.10361-5553A>T (NM_001256850.1); short protein forms T4976S.
Identifiers: ClinVar variation 3388651 (VCV003388651.14).